The following is an entry in ClinVar:

ClinVar aggregate classification (germline): Uncertain significance. Review status: criteria provided, multiple submitters, no conflicts (2 of 4 stars). 6 submissions from 6 submitters: Uncertain significance (5). 1 of the submissions does not count toward it. Last evaluated 2025-11-26.

Conditions:
FANCM-related disorder. Also called: FANCM-related condition.
Spermatogenic failure 28. Identifiers: MedGen C4748117, MONDO:0054732, OMIM 618086.
Premature ovarian failure 15. Identifiers: MedGen C4748170, MONDO:0054862, OMIM 618096.
Fanconi anemia (FA). Also called: Fanconi's anemia. Identifiers: Orphanet 84, MedGen C0015625, MeSH D005199, MONDO:0019391.

Allele frequency attached by ClinVar (database versions not stated): gnomAD 0.00003; gnomAD exomes 0.00003 and 0.00004; ExAC 0.00005; TOPMed 0.00005; ESP Exome Variant Server 0.00015.

Submissions (6):

Labcorp Genetics (formerly Invitae), Labcorp
Classification: Uncertain significance for Fanconi anemia. Last evaluated: 2025-11-26. Review status: criteria provided, single submitter. Criteria: Invitae Variant Classification Sherloc (09022015). Collection method: clinical testing. Allele origin: germline.
Comment: This sequence change falls in intron 15 of the FANCM gene. It does not directly change the encoded amino acid sequence of the FANCM protein. It affects a nucleotide within the consensus splice site. This variant is present in population databases (rs367696095, gnomAD 0.01%). This variant has not been reported in the literature in individuals affected with FANCM-related conditions. ClinVar contains an entry for this variant (Variation ID: 642722). Variants that disrupt the consensus splice site are a relatively common cause of aberrant splicing (PMID: 17576681, 9536098). Algorithms developed to predict the effect of sequence changes on RNA splicing suggest that this variant may disrupt the consensus splice site. In summary, the available evidence is currently insufficient to determine the role of this variant in disease. Therefore, it has been classified as a Variant of Uncertain Significance.

GeneDx
Classification: Uncertain significance. Last evaluated: 2024-11-11. Review status: criteria provided, single submitter. Criteria: GeneDx Variant Classification Process June 2021. Collection method: clinical testing. Allele origin: germline. Affected: yes.
Comment: Not observed at significant frequency in large population cohorts (gnomAD); In silico analysis supports a deleterious effect on splicing; Has not been previously published as pathogenic or benign to our knowledge

Quest Diagnostics Nichols Institute San Juan Capistrano
Classification: Uncertain significance. Last evaluated: 2023-12-26. Review status: criteria provided, single submitter. Criteria: Quest Diagnostics criteria. Collection method: clinical testing. Allele origin: unknown.
Comment: The FANCM c.4318-3T>G variant has been reported in the published literature in a cohort of individuals with hereditary cancer as well as reportedly healthy individuals (PMID: 32235514 (2020)). The frequency of this variant in the general population, 0.00014 (5/35338 chromosomes (Genome Aggregation Database)), is uninformative in the assessment of its pathogenicity. Analysis of this variant using software algorithms for the prediction of the effect of nucleotide changes on splicing yielded predictions that this variant may affect proper FANCM mRNA splicing. Based on the available information, we are unable to determine the clinical significance of this variant.

Mendelics
Classification: Uncertain significance. Last evaluated: 2022-05-04. Review status: criteria provided, single submitter. Criteria: Mendelics Assertion Criteria 2019. Collection method: clinical testing. Allele origin: germline.

Fulgent Genetics
Classification: Uncertain significance for Spermatogenic failure 28; Premature ovarian failure 15. Last evaluated: 2021-11-19. Review status: criteria provided, single submitter. Criteria: ACMG Guidelines, 2015. Collection method: clinical testing. Allele origin: unknown.

PreventionGenetics, part of Exact Sciences
Classification: Uncertain significance for FANCM-related condition. Last evaluated: 2024-08-28. Review status: no assertion criteria provided. Collection method: clinical testing. Allele origin: germline. Not counted in ClinVar's aggregate classification.
Comment: The FANCM c.4318-3T>G variant is predicted to interfere with splicing. To our knowledge, this variant has not been reported in the literature. This variant is reported in 0.014% of alleles in individuals of Latino descent in gnomAD and is reported as a variant of uncertain signifiance in ClinVar. Of note, another variant impacting the c.4318-1G>A splice site has been reported in an individual with breast cancer, however that patient also had a RAD51D missense variant (Patient ID 144, Akbar et al. 2022. PubMed ID: 35710434 ). Although we suspect that the c.4318-3T>G variant may be pathogenic, at this time, the clinical significance of this variant is uncertain due to the absence of conclusive functional and genetic evidence.

Literature cited by the submitters: PubMed 17576681 (cited by Labcorp Genetics (formerly Invitae), Labcorp); PubMed 9536098 (cited by Labcorp Genetics (formerly Invitae), Labcorp); PubMed 32235514 (cited by Quest Diagnostics Nichols Institute San Juan Capistrano).

NM_020937.4(FANCM):c.4318-3T>G

Gene: FANCM (FA complementation group M; plus strand). Cytogenetic location: 14q21.2.
Variant type: single nucleotide variant.
Coding change: c.4318-3T>G on transcript NM_020937.4 (MANE Select); 3 bases into the intron before coding-DNA position 4318, T replaced by G.
Molecular consequence: intron variant.
Genome position (GRCh38, 1-based): chr14:45,181,634, T>G. VCF-style: chr14-45181634-T-G. GRCh37 (hg19) VCF-style: chr14-45650837-T-G.
Other names: c.4318-3T>G (LRG_502t1, NM_020937.3); c.4240-3T>G (NM_001308133.2).
Identifiers: ClinVar variation 642722 (VCV000642722.14), dbSNP rs367696095, ClinGen allele CA7169695.